The following is an entry in ClinVar:

ClinVar aggregate classification (germline): Uncertain significance. Review status: criteria provided, multiple submitters, no conflicts (2 of 4 stars). 2 submissions from 2 submitters: Uncertain significance (2). Last evaluated 2025-12-18.

Conditions:
Inborn genetic diseases. Identifiers: MedGen C0950123, MeSH D030342.

Submissions (2):

Labcorp Genetics (formerly Invitae), Labcorp
Classification: Uncertain significance. Last evaluated: 2025-12-18. Review status: criteria provided, single submitter. Criteria: Invitae Variant Classification Sherloc (09022015). Collection method: clinical testing. Allele origin: germline.
Comment: This sequence change replaces valine, which is neutral and non-polar, with isoleucine, which is neutral and non-polar, at codon 2970 of the KMT2A protein (p.Val2970Ile). This variant is not present in population databases (gnomAD no frequency). This variant has not been reported in the literature in individuals affected with KMT2A-related conditions. ClinVar contains an entry for this variant (Variation ID: 2762802). Invitae Evidence Modeling of protein sequence and biophysical properties (such as structural, functional, and spatial information, amino acid conservation, physicochemical variation, residue mobility, and thermodynamic stability) indicates that this missense variant is not expected to disrupt KMT2A protein function with a negative predictive value of 95%. In summary, the available evidence is currently insufficient to determine the role of this variant in disease. Therefore, it has been classified as a Variant of Uncertain Significance.

Ambry Genetics
Classification: Uncertain significance for Inborn genetic diseases. Last evaluated: 2024-01-03. Review status: criteria provided, single submitter. Criteria: Ambry Variant Classification Scheme 2023. Collection method: clinical testing. Allele origin: germline.

NM_001197104.2(KMT2A):c.8908G>A (p.Val2970Ile)

Gene: KMT2A (lysine methyltransferase 2A; plus strand). Cytogenetic location: 11q23.3.
Variant type: single nucleotide variant.
Coding change: c.8908G>A on transcript NM_001197104.2 (MANE Select); coding-DNA position 8908, G replaced by A.
Protein change: p.Val2970Ile; replaces valine 2970 with isoleucine.
Molecular consequence: missense variant.
Genome position (GRCh38, 1-based): chr11:118,504,800, G>A. VCF-style: chr11-118504800-G-A. GRCh37 (hg19) VCF-style: chr11-118375515-G-A.
Other names: c.8998G>A, p.Val3000Ile (NM_001412597.1); c.8899G>A, p.Val2967Ile (NM_005933.4); short protein forms V3000I, V2970I, V2967I.
Identifiers: ClinVar variation 2762802 (VCV002762802.4), dbSNP rs1950553835, ClinGen allele CA382817039.
Genomic context (GRCh38, chr11:118,504,800, plus strand): 5'-AGTAGACTAGCTGTTATCTCAGACTCAGGGGAGAAGAGAGTAACCATCACAGAAAAATCT[G>A]TAGCCTCCTCTGAAAGTGACCCAGCACTGCTGAGCCCAGGAGTAGATCCAACTCCTGAAG-3'
Protein context (NP_001184033.1, residues 2960-2980): EKRVTITEKS[Val2970Ile]ASSESDPALL